The following is an entry in ClinVar:

ClinVar aggregate classification (germline): Likely benign (0 of 4 stars; one submission).

Conditions:
KSR2-related disorder. Also called: KSR2-related condition.

Submission:

PreventionGenetics, part of Exact Sciences
Classification: Likely benign for KSR2-related condition. Last evaluated: 2023-12-07. Review status: no assertion criteria provided. Collection method: clinical testing. Allele origin: germline.
Comment: This variant is classified as likely benign based on ACMG/AMP sequence variant interpretation guidelines (Richards et al. 2015 PMID: 25741868, with internal and published modifications).

NM_173598.6(KSR2):c.516G>T (p.Thr172=)

Gene: KSR2 (kinase suppressor of ras 2; minus strand). Cytogenetic location: 12q24.23.
Variant type: single nucleotide variant.
Coding change: c.516G>T on transcript NM_173598.6 (MANE Select); coding-DNA position 516, G replaced by T.
Protein change: p.Thr172=; no amino-acid change (threonine 172 retained).
Molecular consequence: synonymous variant.
Genome position (GRCh38, 1-based): chr12:117,761,481, C>A on the plus strand (G>T on the coding strand, the complement: KSR2 is on the minus strand). VCF-style: chr12-117761481-C-A. GRCh37 (hg19) VCF-style: chr12-118199286-C-A.
Identifiers: ClinVar variation 3349290 (VCV003349290.1).